The following is an entry in ClinVar:

ClinVar aggregate classification (germline): Uncertain significance. Review status: criteria provided, multiple submitters, no conflicts (2 of 4 stars). 2 submissions from 2 submitters: Uncertain significance (2). Last evaluated 2026-09-13.

Conditions:
Neurofibromatosis, type 2 (SWNV). Also called: SCHWANNOMATOSIS, VESTIBULAR; BILATERAL ACOUSTIC NEUROFIBROMATOSIS; NF2-Related Schwannomatosis. Identifiers: Orphanet 637, MedGen C0027832, MONDO:0007039, OMIM 101000. Disease mechanism: loss of function.
Hereditary cancer-predisposing syndrome. Also called: Tumor predisposition; Hereditary Cancer Syndrome; Hereditary neoplastic syndrome; Neoplastic Syndromes, Hereditary. Identifiers: Orphanet 140162, MedGen C0027672, MeSH D009386, MONDO:0015356.

Submissions (2):

Ambry Genetics
Classification: Uncertain significance for Hereditary cancer-predisposing syndrome. Last evaluated: 2026-09-13. Review status: criteria provided, single submitter. Criteria: Ambry Variant Classification Scheme 2023. Collection method: clinical testing. Allele origin: germline.
Comment: The p.E432G variant (also known as c.1295A>G), located in coding exon 12 of the NF2 gene, results from an A to G substitution at nucleotide position 1295. The glutamic acid at codon 432 is replaced by glycine, an amino acid with similar properties. This amino acid position is conserved. In addition, this alteration is predicted to be deleterious by in silico analysis. Based on the available evidence, the clinical significance of this variant remains unclear.

Labcorp Genetics (formerly Invitae), Labcorp
Classification: Uncertain significance for Neurofibromatosis, type 2. Last evaluated: 2022-01-02. Review status: criteria provided, single submitter. Criteria: Invitae Variant Classification Sherloc (09022015). Collection method: clinical testing. Allele origin: germline.
Comment: In summary, the available evidence is currently insufficient to determine the role of this variant in disease. Therefore, it has been classified as a Variant of Uncertain Significance. Algorithms developed to predict the effect of missense changes on protein structure and function are either unavailable or do not agree on the potential impact of this missense change (SIFT: "Deleterious"; PolyPhen-2: "Benign"; Align-GVGD: "Class C0"). This variant has not been reported in the literature in individuals affected with NF2-related conditions. This variant is not present in population databases (gnomAD no frequency). This sequence change replaces glutamic acid, which is acidic and polar, with glycine, which is neutral and non-polar, at codon 432 of the NF2 protein (p.Glu432Gly).

NM_000268.4(NF2):c.1295A>G (p.Glu432Gly)

Gene: NF2 (NF2, moesin-ezrin-radixin like (MERLIN) tumor suppressor; plus strand). Cytogenetic location: 22q12.2.
Variant type: single nucleotide variant.
Coding change: c.1295A>G on transcript NM_000268.4 (MANE Select); coding-DNA position 1295, A replaced by G.
Protein change: p.Glu432Gly; replaces glutamic acid 432 with glycine.
Molecular consequence: missense variant. On other transcripts: non-coding transcript variant (1), intron variant (1).
Genome position (GRCh38, 1-based): chr22:29,673,441, A>G. VCF-style: chr22-29673441-A-G. GRCh37 (hg19) VCF-style: chr22-30069430-A-G.
Other names: c.1181A>G, p.Glu394Gly (NM_001407053.1, NM_001407056.1); c.1172A>G, p.Glu391Gly (NM_001407054.1, NM_001407058.1, NM_181829.3); c.1169A>G, p.Glu390Gly (NM_001407055.1, NM_181828.3); c.1160A>G, p.Glu387Gly (NM_001407057.1, NM_001407059.1); c.1295A>G, p.Glu432Gly (NM_001407060.1, NM_001407066.1, NM_016418.5 and 2 more transcripts); c.1037A>G, p.Glu346Gly (NM_001407062.1); c.1046A>G, p.Glu349Gly (NM_001407063.1, NM_001407064.1, NM_181830.3 and 1 more transcripts); c.761A>G, p.Glu254Gly (NM_001407065.1); and 2 more; short protein forms E355G, E387G, E394G, E254G, E432G, E346G, E349G, E390G.
Identifiers: ClinVar variation 2071033 (VCV002071033.5), dbSNP rs2518681831, ClinGen allele CA411148539.